The following is an entry in ClinVar:

NC_000001.10:g.(?_20974682)_(20975609_?)del

Gene: PINK1 (PTEN induced kinase 1; plus strand). Cytogenetic location: 1p36.12.
Variant type: Deletion.
Identifiers: ClinVar variation 2427033 (VCV002427033.3).

ClinVar aggregate classification (germline): Likely pathogenic (1 of 4 stars; one submission).

Conditions:
Autosomal recessive early-onset Parkinson disease 6 (PARK6). Also called: PARKINSON DISEASE 6, EARLY-ONSET; PINK1-Related Parkinson Disease; PARKINSON DISEASE 6, MODIFIER OF; PINK1 Type of Young-Onset Parkinson Disease. Identifiers: Orphanet 2828, MedGen C1853833, MONDO:0011613, OMIM 605909.

Submission:

Labcorp Genetics (formerly Invitae), Labcorp
Classification: Likely pathogenic for Autosomal recessive early-onset Parkinson disease 6. Last evaluated: 2021-12-13. Review status: criteria provided, single submitter. Criteria: Invitae Variant Classification Sherloc (09022015). Collection method: clinical testing. Allele origin: germline.
Comment: In summary, the currently available evidence indicates that the variant is pathogenic, but additional data are needed to prove that conclusively. Therefore, this variant has been classified as Likely Pathogenic. This variant has not been reported in the literature in individuals affected with PINK1-related conditions. This variant results in the deletion of exon 6 and part of exon 7 (c.1124-311_1378del) of the PINK1 gene. It is expected to disrupt RNA splicing. Variants that disrupt the donor or acceptor splice site typically lead to a loss of protein function (PMID: 16199547), and loss-of-function variants in PINK1 are known to be pathogenic (PMID: 15087508, 15349870).

Literature cited by the submitters: PubMed 16199547; PubMed 15087508; PubMed 15349870.